The following is an entry in ClinVar:

ClinVar aggregate classification (germline): Uncertain significance (1 of 4 stars; one submission).

Allele frequency attached by ClinVar (database versions not stated): TOPMed below 0.00001; ExAC 0.00001; gnomAD 0.00001; gnomAD exomes 0.00001.
gnomAD v4.1: 10 of 1,613,164 alleles (0.00062%); highest among the groups gnomAD compares: African/African-American, 0.0013%; no homozygotes.

Submission:

Labcorp Genetics (formerly Invitae), Labcorp
Classification: Uncertain significance. Last evaluated: 2023-04-05. Review status: criteria provided, single submitter. Criteria: Invitae Variant Classification Sherloc (09022015). Collection method: clinical testing. Allele origin: germline.
Comment: This sequence change replaces threonine, which is neutral and polar, with alanine, which is neutral and non-polar, at codon 912 of the HMCN1 protein (p.Thr912Ala). This variant is present in population databases (rs763378460, gnomAD 0.003%). This variant has not been reported in the literature in individuals affected with HMCN1-related conditions. ClinVar contains an entry for this variant (Variation ID: 1486223). Algorithms developed to predict the effect of missense changes on protein structure and function output the following: SIFT: "Not Available"; PolyPhen-2: "Benign"; Align-GVGD: "Not Available". The alanine amino acid residue is found in multiple mammalian species, which suggests that this missense change does not adversely affect protein function. In summary, the available evidence is currently insufficient to determine the role of this variant in disease. Therefore, it has been classified as a Variant of Uncertain Significance.

NM_031935.3(HMCN1):c.2734A>G (p.Thr912Ala)

Gene: HMCN1 (hemicentin 1; plus strand). Cytogenetic location: 1q31.1.
Variant type: single nucleotide variant.
Coding change: c.2734A>G on transcript NM_031935.3 (MANE Select); coding-DNA position 2734, A replaced by G.
Protein change: p.Thr912Ala; replaces threonine 912 with alanine.
Molecular consequence: missense variant.
Genome position (GRCh38, 1-based): chr1:185,982,333, A>G. VCF-style: chr1-185982333-A-G. GRCh37 (hg19) VCF-style: chr1-185951465-A-G.
Other names: short protein forms T912A.
Identifiers: ClinVar variation 1486223 (VCV001486223.6), dbSNP rs763378460, ClinGen allele CA1291481.
Genomic context (GRCh38, chr1:185,982,333, plus strand): 5'-ATTGGAATCAGCCCTTCAGTGGCCAATGTTATTGAAGGACAGCAGCTTACTTTGCCCTGT[A>G]CTCTGTTAGCTGGAAATCCCATTCCAGAACGTCGGTGGATTAAGAATTCAGCTATGGTAA-3'
Protein context (NP_114141.2, residues 902-922): IEGQQLTLPC[Thr912Ala]LLAGNPIPER